The following is an entry in ClinVar:

NM_000535.7(PMS2):c.944G>T (p.Arg315Leu)

Gene: PMS2 (PMS1 homolog 2, mismatch repair system component; minus strand). Cytogenetic location: 7p22.1.
Variant type: single nucleotide variant.
Coding change: c.944G>T on transcript NM_000535.7 (MANE Select); coding-DNA position 944, G replaced by T.
Protein change: p.Arg315Leu; replaces arginine 315 with leucine.
Molecular consequence: missense variant. On other transcripts: non-coding transcript variant (1), intron variant (1).
Genome position (GRCh38, 1-based): chr7:5,992,017, C>A on the plus strand (G>T on the coding strand, the complement: PMS2 is on the minus strand). VCF-style: chr7-5992017-C-A. GRCh37 (hg19) VCF-style: chr7-6031648-C-A.
Other names: c.968G>T, p.Arg323Leu (NM_001406868.1); c.836G>T, p.Arg279Leu (NM_001406869.1); c.944G>T, p.Arg315Leu (NM_001406870.1, NM_001406871.1, NM_001406872.1 and 2 more transcripts); c.746G>T, p.Arg249Leu (NM_001406873.1); c.776G>T, p.Arg259Leu (NM_001406874.1, NM_001406884.1); c.635G>T, p.Arg212Leu (NM_001406875.1, NM_001406877.1, NM_001406878.1 and 6 more transcripts); c.626G>T, p.Arg209Leu (NM_001406876.1, NM_001406883.1, NM_001406901.1 and 4 more transcripts); c.608G>T, p.Arg203Leu (NM_001406885.1); and 8 more; short protein forms R203L, R259L, R323L, R144L, R193L, R212L, R58L, R209L.
Identifiers: ClinVar variation 2734969 (VCV002734969.4), dbSNP rs116314131, ClinGen allele CA366743144.

ClinVar aggregate classification (germline): Uncertain significance. Review status: criteria provided, multiple submitters, no conflicts (2 of 4 stars). 2 submissions from 2 submitters: Uncertain significance (2). Last evaluated 2024-12-20.

Conditions:
Hereditary cancer-predisposing syndrome. Also called: Tumor predisposition; Hereditary Cancer Syndrome; Neoplastic Syndromes, Hereditary; Hereditary neoplastic syndrome. Identifiers: Orphanet 140162, MedGen C0027672, MeSH D009386, MONDO:0015356.
Hereditary nonpolyposis colorectal neoplasms. Identifiers: MedGen C0009405, MeSH D003123.

Submissions (2):

Labcorp Genetics (formerly Invitae), Labcorp
Classification: Uncertain significance for Hereditary nonpolyposis colorectal neoplasms. Last evaluated: 2024-12-20. Review status: criteria provided, single submitter. Criteria: Invitae Variant Classification Sherloc (09022015). Collection method: clinical testing. Allele origin: germline.
Comment: This sequence change replaces arginine, which is basic and polar, with leucine, which is neutral and non-polar, at codon 315 of the PMS2 protein (p.Arg315Leu). This variant is not present in population databases (gnomAD no frequency). This variant has not been reported in the literature in individuals affected with PMS2-related conditions. ClinVar contains an entry for this variant (Variation ID: 2734969). Invitae Evidence Modeling incorporating data from in vitro experimental studies (internal data) indicates that this missense variant is not expected to disrupt PMS2 function with a negative predictive value of 95%. In summary, the available evidence is currently insufficient to determine the role of this variant in disease. Therefore, it has been classified as a Variant of Uncertain Significance.

Ambry Genetics
Classification: Uncertain significance for Hereditary cancer-predisposing syndrome. Last evaluated: 2024-05-14. Review status: criteria provided, single submitter. Criteria: Ambry Variant Classification Scheme 2023. Collection method: clinical testing. Allele origin: germline.
Comment: The p.R315L variant (also known as c.944G>T), located in coding exon 9 of the PMS2 gene, results from a G to T substitution at nucleotide position 944. The arginine at codon 315 is replaced by leucine, an amino acid with dissimilar properties. This amino acid position is well conserved in available vertebrate species. In addition, the in silico prediction for this alteration is inconclusive. Based on the available evidence, the clinical significance of this variant remains unclear.